The following is an entry in ClinVar:

NM_001267550.2(TTN):c.7020C>T (p.Ile2340=)

Genes: TTN (titin; minus strand), LOC126806433 (BRD4-independent group 4 enhancer GRCh37_chr2:179638309-179639508; plus strand). Cytogenetic location: 2q31.2.
Variant type: single nucleotide variant.
Coding change: c.7020C>T on transcript NM_001267550.2 (MANE Select); coding-DNA position 7020, C replaced by T.
Protein change: p.Ile2340=; no amino-acid change (isoleucine 2340 retained).
Molecular consequence: synonymous variant.
Genome position (GRCh38, 1-based): chr2:178,774,244, G>A on the plus strand (C>T on the coding strand, the complement: TTN is on the minus strand). VCF-style: chr2-178774244-G-A. GRCh37 (hg19) VCF-style: chr2-179638971-G-A.
Other names: p.I2340I:ATC>ATT; c.6882C>T, p.Ile2294= (NM_003319.4, NM_133432.3, NM_133437.4); c.7020C>T, p.Ile2340= (NM_133378.4, NM_133379.5, NM_001256850.1).
Identifiers: ClinVar variation 137824 (VCV000137824.24), dbSNP rs587780986, ClinGen allele CA291507.

ClinVar aggregate classification (germline): Conflicting classifications of pathogenicity. Review status: criteria provided, conflicting classifications (1 of 4 stars). 5 submissions from 5 submitters: Uncertain significance (1); Benign (1); Likely benign (3). Last evaluated 2026-01-15.

Conditions:
Cardiovascular phenotype. Identifiers: MedGen CN230736.
Dilated cardiomyopathy 1G (CMD1G). Identifiers: Orphanet 154, MedGen C1858763, MONDO:0011400, OMIM 604145.
Autosomal recessive limb-girdle muscular dystrophy type 2J (LGMDR10). Also called: MUSCULAR DYSTROPHY, LIMB-GIRDLE, AUTOSOMAL RECESSIVE 10; Limb-girdle muscular dystrophy, type 2J. Identifiers: Orphanet 140922, MedGen C1837342, MONDO:0012127, OMIM 608807.

Allele frequency attached by ClinVar (database versions not stated): gnomAD exomes 0.00002; TOPMed 0.00002.
gnomAD v4.1: 26 of 1,614,000 alleles (0.0016%); highest among the groups gnomAD compares: Non-Finnish European, 0.0022%; no homozygotes.

Submissions (5):

Labcorp Genetics (formerly Invitae), Labcorp
Classification: Likely benign for Dilated cardiomyopathy 1G; Autosomal recessive limb-girdle muscular dystrophy type 2J. Last evaluated: 2026-01-15. Review status: criteria provided, single submitter. Criteria: Invitae Variant Classification Sherloc (09022015). Collection method: clinical testing. Allele origin: germline.

Ambry Genetics
Classification: Likely benign for Cardiovascular phenotype. Last evaluated: 2021-09-17. Review status: criteria provided, single submitter. Criteria: Ambry Variant Classification Scheme 2023. Collection method: clinical testing. Allele origin: germline.

ARUP Laboratories, Molecular Genetics and Genomics, ARUP Laboratories
Classification: Likely benign. Last evaluated: 2019-09-20. Review status: criteria provided, single submitter. Criteria: ARUP Molecular Germline Variant Investigation Process. Collection method: clinical testing. Allele origin: germline.

Eurofins Ntd Llc (ga)
Classification: Uncertain significance. Last evaluated: 2015-07-14. Review status: criteria provided, single submitter. Criteria: EGL Classification Definitions 2015. Collection method: clinical testing. Allele origin: germline. Observed: 1 variant allele, 1 heterozygote.

GeneDx
Classification: Benign. Last evaluated: 2014-06-06. Review status: criteria provided, single submitter. Criteria: GeneDx Variant Classification (06012015). Collection method: clinical testing. Allele origin: germline. Affected: yes.
Comment: This variant is considered likely benign or benign based on one or more of the following criteria: it is a conservative change, it occurs at a poorly conserved position in the protein, it is predicted to be benign by multiple in silico algorithms, and/or has population frequency not consistent with disease.